The following is an entry in ClinVar:

ClinVar aggregate classification (germline): Pathogenic (1 of 4 stars; one submission).

Submission:

GeneDx
Classification: Pathogenic. Last evaluated: 2016-02-16. Review status: criteria provided, single submitter. Criteria: GeneDx Variant Classification (06012015). Collection method: clinical testing. Allele origin: germline. Affected: yes.
Comment: The c.779dupT pathogenic variant in the PHEX gene causes a frameshift starting with codon Leucine 260, changes this amino acid to a phenylalanine residue and creates a premature Stop codon at position 4 of the new reading frame, denoted p.Leu260PhefsX4. This pathogenic variant is predicted to cause loss of normal protein function either through protein truncation or nonsense-mediated mRNA decay. The c.779dupT variant was not observed in approximately 6500 individuals of European and African American ancestry in the NHLBI Exome Sequencing Project, indicating it is not a common benign variant in these populations.

NM_000444.6(PHEX):c.779dup (p.Leu260fs)

Gene: PHEX (phosphate regulating endopeptidase homolog X-linked; plus strand). Cytogenetic location: Xp22.11.
Variant type: Duplication.
Coding change: c.779dup on transcript NM_000444.6 (MANE Select); coding-DNA position 779, one base duplicated (T; older notation c.779dupT).
Protein change: p.Leu260fs; shifts the reading frame from leucine 260.
Molecular consequence: frameshift variant.
Genome position (GRCh38, 1-based): chrX:22,094,029, T duplicated; the last of 4 consecutive T bases (chrX:22,094,026-22,094,029); duplicating any one gives the same sequence. VCF-style (leftmost placement, unchanged base first): chrX-22094025-C-CT. GRCh37 (hg19) VCF-style: chrX-22112143-C-CT.
Other names: c.779dup, p.Leu260fs (NM_001282754.2); short protein forms L260fs.
Identifiers: ClinVar variation 280345 (VCV000280345.2), dbSNP rs886041569, ClinGen allele CA10603435.